The following is an entry in ClinVar:

NM_001048174.2(MUTYH):c.1193G>C (p.Arg398Pro)

Gene: MUTYH (mutY DNA glycosylase; minus strand). Cytogenetic location: 1p34.1.
Variant type: single nucleotide variant.
Coding change: c.1193G>C on transcript NM_001048174.2 (MANE Select); coding-DNA position 1193, G replaced by C.
Protein change: p.Arg398Pro; replaces arginine 398 with proline.
Molecular consequence: missense variant. On other transcripts: non-coding transcript variant (2).
Genome position (GRCh38, 1-based): chr1:45,331,466, C>G on the plus strand (G>C on the coding strand, the complement: MUTYH is on the minus strand). VCF-style: chr1-45331466-C-G. GRCh37 (hg19) VCF-style: chr1-45797138-C-G.
Other names: c.1193G>C, p.Arg398Pro (NM_001048171.2, NM_001048173.2, NM_001293195.2); c.1196G>C, p.Arg399Pro (NM_001048172.2); c.1277G>C, p.Arg426Pro (NM_001128425.2); c.1238G>C, p.Arg413Pro (NM_001293190.2); c.1226G>C, p.Arg409Pro (NM_001293191.2); c.917G>C, p.Arg306Pro (NM_001293192.2, NM_001293196.2); c.848G>C, p.Arg283Pro (NM_001350650.2, NM_001350651.2); c.1268G>C, p.Arg423Pro (NM_012222.3); short protein forms R426P, R306P, R409P, R413P, R423P, R283P, R398P, R399P.
Identifiers: ClinVar variation 186486 (VCV000186486.7), dbSNP rs748700385, ClinGen allele CA012491.

ClinVar aggregate classification (germline): Uncertain significance. Review status: criteria provided, multiple submitters, no conflicts (2 of 4 stars). 2 submissions from 2 submitters: Uncertain significance (2). Last evaluated 2024-10-09.

Conditions:
Hereditary cancer-predisposing syndrome. Also called: Neoplastic Syndromes, Hereditary; Tumor predisposition; Hereditary Cancer Syndrome; Hereditary neoplastic syndrome. Identifiers: Orphanet 140162, MedGen C0027672, MeSH D009386, MONDO:0015356.
Familial adenomatous polyposis 2. Also called: Adenomas, multiple colorectal; COLORECTAL ADENOMATOUS POLYPOSIS, AUTOSOMAL RECESSIVE; ADENOMAS, MULTIPLE COLORECTAL, AUTOSOMAL RECESSIVE; MYH-associated polyposis; MUTYH Polyposis; FAP type 2. Identifiers: Orphanet 220460, Orphanet 247798, MedGen C3272841, MONDO:0012041, OMIM 608456.

Submissions (2):

Labcorp Genetics (formerly Invitae), Labcorp
Classification: Uncertain significance for Familial adenomatous polyposis 2. Last evaluated: 2024-10-09. Review status: criteria provided, single submitter. Criteria: Invitae Variant Classification Sherloc (09022015). Collection method: clinical testing. Allele origin: germline.
Comment: This sequence change replaces arginine, which is basic and polar, with proline, which is neutral and non-polar, at codon 426 of the MUTYH protein (p.Arg426Pro). This variant is not present in population databases (gnomAD no frequency). This variant has not been reported in the literature in individuals affected with MUTYH-related conditions. ClinVar contains an entry for this variant (Variation ID: 186486). An algorithm developed to predict the effect of missense changes on protein structure and function (PolyPhen-2) suggests that this variant is likely to be tolerated. In summary, the available evidence is currently insufficient to determine the role of this variant in disease. Therefore, it has been classified as a Variant of Uncertain Significance.

Ambry Genetics
Classification: Uncertain significance for Hereditary cancer-predisposing syndrome. Last evaluated: 2017-05-13. Review status: criteria provided, single submitter. Criteria: Ambry Variant Classification Scheme 2023. Collection method: clinical testing. Allele origin: germline.
Comment: The p.R426P variant (also known as c.1277G>C), located in coding exon 13 of the MUTYH gene, results from a G to C substitution at nucleotide position 1277. The arginine at codon 426 is replaced by proline, an amino acid with dissimilar properties. This amino acid position is poorly conserved in available vertebrate species. In addition, the in silico prediction for this alteration is inconclusive. Since supporting evidence is limited at this time, the clinical significance of p.R426P remains unclear.